The following is an entry in ClinVar:

NM_000181.4(GUSB):c.1872_1875del (p.Glu624fs)

Gene: GUSB (glucuronidase beta; minus strand). Cytogenetic location: 7q11.21.
Variant type: Microsatellite.
Coding change: c.1872_1875del on transcript NM_000181.4 (MANE Select); coding-DNA positions 1872 to 1875, 4 bases deleted (GAGA; older notation c.1872_1875delGAGA).
Protein change: p.Glu624fs; shifts the reading frame from glutamic acid 624.
Molecular consequence: frameshift variant. On other transcripts: non-coding transcript variant (1).
Genome position (GRCh38, 1-based): chr7:65,960,978-65,960,981, TCTC deleted on the plus strand (GAGA on the coding strand, the reverse complement: GUSB is on the minus strand); deleting any 4 consecutive bases within chr7:65,960,978-65,960,985 gives the same sequence; the c. name uses the placement nearest the transcript's 3' end. VCF-style (leftmost placement, unchanged base first): chr7-65960977-ATCTC-A. GRCh37 (hg19) VCF-style: chr7-65425964-ATCTC-A.
Other names: c.1434_1437del, p.Glu478fs (NM_001284290.2); c.1302_1305del, p.Glu434fs (NM_001293104.2); c.1215_1218del, p.Glu405fs (NM_001293105.2); short protein forms E405fs, E434fs, E478fs, E624fs.
Identifiers: ClinVar variation 2867424 (VCV002867424.3), dbSNP rs935464108, ClinGen allele CA2739266440.
Genomic context (GRCh38, chr7:65,960,977, plus strand): 5'-CCAAACATTGTGACTTGGCTACTGAGTGGGGATACCTGGTTTCATTGGCAATCTTCCAGT[ATCTC>A]TCTCGCAAAAGGAACGCTGCACTTTTTGGTTGTCTCTGCCGAGTGAAGATCCCCTTTTTA-3'

ClinVar aggregate classification (germline): Pathogenic (1 of 4 stars; one submission).

Conditions:
Mucopolysaccharidosis type 7 (MPS7). Also called: MPS VII; BETA-GLUCURONIDASE DEFICIENCY; GUSB DEFICIENCY; SLY SYNDROME. Identifiers: Orphanet 584, MedGen C0085132, MONDO:0009662, OMIM 253220.

Submission:

Labcorp Genetics (formerly Invitae), Labcorp
Classification: Pathogenic for Mucopolysaccharidosis type 7. Last evaluated: 2023-09-11. Review status: criteria provided, single submitter. Criteria: Invitae Variant Classification Sherloc (09022015). Collection method: clinical testing. Allele origin: germline.
Comment: For these reasons, this variant has been classified as Pathogenic. This variant disrupts a region of the GUSB protein in which other variant(s) (p.Trp627Cys) have been determined to be pathogenic (PMID: 7680524). This suggests that this is a clinically significant region of the protein, and that variants that disrupt it are likely to be disease-causing. This variant has not been reported in the literature in individuals affected with GUSB-related conditions. This variant is not present in population databases (gnomAD no frequency). This sequence change creates a premature translational stop signal (p.Glu624Aspfs*15) in the GUSB gene. While this is not anticipated to result in nonsense mediated decay, it is expected to disrupt the last 28 amino acid(s) of the GUSB protein.

Literature cited by the submitters: PubMed 7680524.